The following is an entry in ClinVar:

NM_033518.4(SLC38A5):c.575G>T (p.Gly192Val)

Gene: SLC38A5 (solute carrier family 38 member 5; minus strand). Cytogenetic location: Xp11.23.
Variant type: single nucleotide variant.
Coding change: c.575G>T on transcript NM_033518.4 (MANE Select); coding-DNA position 575, G replaced by T.
Protein change: p.Gly192Val; replaces glycine 192 with valine.
Molecular consequence: missense variant.
Genome position (GRCh38, 1-based): chrX:48,462,291, C>A on the plus strand (G>T on the coding strand, the complement: SLC38A5 is on the minus strand). VCF-style: chrX-48462291-C-A. GRCh37 (hg19) VCF-style: chrX-48320677-C-A.
Other names: short protein forms G192V.
Identifiers: ClinVar variation 5002506 (VCV005002506.1).

ClinVar aggregate classification (germline): Uncertain significance (1 of 4 stars; one submission).

Conditions:
SLC38A5-related disorder. Also called: SLC38A5-related condition.

Submission:

PreventionGenetics, part of Exact Sciences
Classification: Uncertain significance for SLC38A5-related condition. Last evaluated: 2025-10-14. Review status: criteria provided, single submitter. Criteria: ACMG Guidelines, 2015. Collection method: clinical testing. Allele origin: germline.
Comment: The SLC38A5 c.575G>T variant is predicted to result in the amino acid substitution p.Gly192Val. To our knowledge, this variant has not been reported in the literature or in a large population database (gnomAD), indicating this variant is rare. This variant occurs at the first nucleotide of exon 10 and is predicted to weaken the canonical splice acceptor site, possibly impacting splicing (SpliceAI, Jaganathan et al. 2019. PubMed ID: 30661751). At this time, the clinical significance of this variant is uncertain due to the absence of conclusive functional and genetic evidence.